The following is an entry in ClinVar:

NM_020911.2(PLXNA4):c.1371+4355T>C

Gene: PLXNA4 (plexin A4; minus strand). Cytogenetic location: 7q32.3.
Variant type: single nucleotide variant.
Coding change: c.1371+4355T>C on transcript NM_020911.2 (MANE Select); 4355 bases into the intron after coding-DNA position 1371, T replaced by C.
Molecular consequence: intron variant. On other transcripts: missense variant (1).
Genome position (GRCh38, 1-based): chr7:132,484,937, A>G on the plus strand (T>C on the coding strand, the complement: PLXNA4 is on the minus strand). VCF-style: chr7-132484937-A-G. GRCh37 (hg19) VCF-style: chr7-132169696-A-G.
Other names: c.1448T>C, p.Ile483Thr (NM_181775.4); c.1371+4355T>C (NM_001393897.1, NM_001105543.2); short protein forms I483T.
Identifiers: ClinVar variation 3350886 (VCV003350886.2).

ClinVar aggregate classification (germline): Uncertain significance (1 of 4 stars; one submission).

Conditions:
PLXNA4-related disorder. Also called: PLXNA4-related condition.

gnomAD v4.1: 64 of 1,614,048 alleles (0.004%); highest among the groups gnomAD compares: Non-Finnish European, 0.0051%; no homozygotes.

Submission:

PreventionGenetics, part of Exact Sciences
Classification: Uncertain significance for PLXNA4-related condition. Last evaluated: 2026-06-28. Review status: criteria provided, single submitter. Criteria: ACMG Guidelines, 2015. Collection method: clinical testing. Allele origin: germline.
Comment: The PLXNA4 c.1448T>C variant is predicted to result in the amino acid substitution p.Ile483Thr. To our knowledge, this variant has not been reported in the literature. This variant is reported in 0.0039% of alleles in individuals of European (Non-Finnish) descent in gnomAD. At this time, the clinical significance of this variant is uncertain due to the absence of conclusive functional and genetic evidence.